The following is an entry in ClinVar:

NM_032380.5(GFM2):c.721A>G (p.Lys241Glu)

Gene: GFM2 (GTP dependent ribosome recycling factor mitochondrial 2; minus strand). Cytogenetic location: 5q13.3.
Variant type: single nucleotide variant.
Coding change: c.721A>G on transcript NM_032380.5 (MANE Select); coding-DNA position 721, A replaced by G.
Protein change: p.Lys241Glu; replaces lysine 241 with glutamic acid.
Molecular consequence: missense variant. On other transcripts: non-coding transcript variant (1).
Genome position (GRCh38, 1-based): chr5:74,745,806, T>C on the plus strand (A>G on the coding strand, the complement: GFM2 is on the minus strand). VCF-style: chr5-74745806-T-C. GRCh37 (hg19) VCF-style: chr5-74041631-T-C.
Other names: c.817A>G, p.Lys273Glu (NM_001281302.2); c.721A>G, p.Lys241Glu (NM_170681.3, NM_170691.3); short protein forms K241E, K273E.
Identifiers: ClinVar variation 2080723 (VCV002080723.4), dbSNP rs759959410, ClinGen allele CA3306698.
Genomic context (GRCh38, chr5:74,745,806, plus strand): 5'-GGGGCTTTCTCTCAAAGTCTTTTCCATCATTTGAATTGCAATTCCAAAGAAGTTTTTCTT[T>C]CATTACTACATCCACCACTCCTTTGAAAGTTTTGGCTTCACCAATTGGTAACTGTAAGTC-3'
Protein context (NP_115756.2, residues 231-251): TFKGVVDVVM[Lys241Glu]EKLLWNCNSN

ClinVar aggregate classification (germline): Uncertain significance (1 of 4 stars; one submission).

Allele frequency attached by ClinVar (database versions not stated): gnomAD exomes below 0.00001; TOPMed below 0.00001; ExAC 0.00001; gnomAD 0.00001.
gnomAD v4.1: 3 of 1,613,110 alleles (0.00019%); highest among the groups gnomAD compares: Admixed American, 0.005%; no homozygotes.

Submission:

Labcorp Genetics (formerly Invitae), Labcorp
Classification: Uncertain significance. Last evaluated: 2022-08-09. Review status: criteria provided, single submitter. Criteria: Invitae Variant Classification Sherloc (09022015). Collection method: clinical testing. Allele origin: germline.
Comment: In summary, the available evidence is currently insufficient to determine the role of this variant in disease. Therefore, it has been classified as a Variant of Uncertain Significance. Algorithms developed to predict the effect of missense changes on protein structure and function (SIFT, PolyPhen-2, Align-GVGD) all suggest that this variant is likely to be tolerated. This variant has not been reported in the literature in individuals affected with GFM2-related conditions. This variant is present in population databases (rs759959410, gnomAD 0.006%). This sequence change replaces lysine, which is basic and polar, with glutamic acid, which is acidic and polar, at codon 241 of the GFM2 protein (p.Lys241Glu).